The following is an entry in ClinVar:

ClinVar aggregate classification (germline): Uncertain significance. Review status: criteria provided, multiple submitters, no conflicts (2 of 4 stars). 3 submissions from 3 submitters: Uncertain significance (3). Last evaluated 2025-12-09.

Conditions:
Hereditary nonpolyposis colorectal neoplasms. Identifiers: MedGen C0009405, MeSH D003123.
Hereditary cancer-predisposing syndrome. Also called: Neoplastic Syndromes, Hereditary; Tumor predisposition; Hereditary Cancer Syndrome; Hereditary neoplastic syndrome. Identifiers: Orphanet 140162, MedGen C0027672, MeSH D009386, MONDO:0015356.

Submissions (3):

Ambry Genetics
Classification: Uncertain significance for Hereditary cancer-predisposing syndrome. Last evaluated: 2025-12-09. Review status: criteria provided, single submitter. Criteria: Ambry Variant Classification Scheme 2023. Collection method: clinical testing. Allele origin: germline.
Comment: The p.G652R variant (also known as c.1954G>C), located in coding exon 4 of the MSH6 gene, results from a G to C substitution at nucleotide position 1954. The glycine at codon 652 is replaced by arginine, an amino acid with dissimilar properties. This amino acid position is not well conserved in available vertebrate species. In addition, this alteration is predicted to be tolerated by in silico analysis. Based on the available evidence, the clinical significance of this variant remains unclear.

Color Diagnostics, LLC DBA Color Health
Classification: Uncertain significance for Hereditary cancer-predisposing syndrome. Last evaluated: 2024-03-06. Review status: criteria provided, single submitter. Criteria: ACMG Guidelines, 2015. Collection method: clinical testing. Allele origin: germline.
Comment: This missense variant replaces glycine with arginine at codon 652 of the MSH6 protein. Computational prediction suggests that this variant may not impact protein structure and function (internally defined REVEL score threshold <= 0.5, PMID: 27666373). To our knowledge, functional studies have not been reported for this variant. This variant has not been reported in individuals affected with hereditary cancer in the literature. This variant has not been identified in the general population by the Genome Aggregation Database (gnomAD). The available evidence is insufficient to determine the role of this variant in disease conclusively. Therefore, this variant is classified as a Variant of Uncertain Significance.

Labcorp Genetics (formerly Invitae), Labcorp
Classification: Uncertain significance for Hereditary nonpolyposis colorectal neoplasms. Last evaluated: 2019-10-28. Review status: criteria provided, single submitter. Criteria: Invitae Variant Classification Sherloc (09022015). Collection method: clinical testing. Allele origin: germline.
Comment: This variant is not present in population databases (ExAC no frequency). This variant has not been reported in the literature in individuals with MSH6-related conditions. ClinVar contains an entry for this variant (Variation ID: 483822). Algorithms developed to predict the effect of missense changes on protein structure and function are either unavailable or do not agree on the potential impact of this missense change (SIFT: "Tolerated"; PolyPhen-2: "Possibly Damaging"; Align-GVGD: "Class C0"). In summary, the available evidence is currently insufficient to determine the role of this variant in disease. Therefore, it has been classified as a Variant of Uncertain Significance. This sequence change replaces glycine with arginine at codon 652 of the MSH6 protein (p.Gly652Arg). The glycine residue is weakly conserved and there is a moderate physicochemical difference between glycine and arginine.

NM_000179.3(MSH6):c.1954G>C (p.Gly652Arg)

Gene: MSH6 (mutS homolog 6; plus strand). Cytogenetic location: 2p16.3.
Variant type: single nucleotide variant.
Coding change: c.1954G>C on transcript NM_000179.3 (MANE Select); coding-DNA position 1954, G replaced by C.
Protein change: p.Gly652Arg; replaces glycine 652 with arginine.
Molecular consequence: missense variant.
Genome position (GRCh38, 1-based): chr2:47,799,937, G>C. VCF-style: chr2-47799937-G-C. GRCh37 (hg19) VCF-style: chr2-48027076-G-C.
Other names: c.1048G>C, p.Gly350Arg (NM_001281493.2, NM_001281494.2); c.1564G>C, p.Gly522Arg (NM_001281492.2); short protein forms G652R, G350R, G522R.
Identifiers: ClinVar variation 483822 (VCV000483822.19), dbSNP rs1553413323, ClinGen allele CA346750564.